The following is an entry in ClinVar:

ClinVar aggregate classification (germline): Uncertain significance (1 of 4 stars; one submission).

Submission:

Labcorp Genetics (formerly Invitae), Labcorp
Classification: Uncertain significance. Last evaluated: 2022-02-21. Review status: criteria provided, single submitter. Criteria: Invitae Variant Classification Sherloc (09022015). Collection method: clinical testing. Allele origin: germline.
Comment: A copy number gain of the genomic region encompassing the full coding sequence of the OPHN1 gene has been identified. The boundaries of this event are unknown as they extend beyond the assayed region for this gene and therefore may encompass additional genes. As the precise location of this event is unknown, it may be in tandem or it may be located elsewhere in the genome. Isolated whole-gene copy number gains of OPHN1 have not been reported in the literature. However, larger copy number events that include this gene have been reported (PMID: 18512229, 22659343, 22796527, 28931914). In summary, the available evidence is currently insufficient to determine the role of this variant in disease. Therefore, it has been classified as a Variant of Uncertain Significance.

Literature cited by the submitters: PubMed 18512229; PubMed 22659343; PubMed 22796527; PubMed 28931914.

NC_000023.10:g.(?_66905832)_(68060497_?)dup

Genes: AR (androgen receptor; plus strand), EFNB1 (ephrin B1; plus strand), OPHN1 (oligophrenin 1; minus strand), STARD8 (StAR related lipid transfer domain containing 8; plus strand), YIPF6 (Yip1 domain family member 6; plus strand). Cytogenetic location: Xq12-13.1.
Variant type: Duplication.
Identifiers: ClinVar variation 2424482 (VCV002424482.3).